The following is an entry in ClinVar:

ClinVar aggregate classification (germline): Conflicting classifications of pathogenicity. Review status: criteria provided, conflicting classifications (1 of 4 stars). 3 submissions from 3 submitters: Uncertain significance (1); Likely benign (2). Last evaluated 2025-11-23.

Conditions:
Netherton syndrome (NETH). Also called: ERYTHRODERMA, ICHTHYOSIFORM, WITH HYPOTRICHOSIS AND HYPER-IgE; COMEL-NETHERTON SYNDROME; NETHERTON DISEASE. Identifiers: Orphanet 634, MedGen C5574950, MONDO:0009735, OMIM 256500.
Ichthyosis linearis circumflexa. Identifiers: MedGen C0265962, MONDO:0043106, HP:0025810.

Allele frequency attached by ClinVar (database versions not stated): gnomAD 0.00006; ESP Exome Variant Server 0.00008; TOPMed 0.00009; 1000 Genomes Project 0.00020; 1000 Genomes Project 30x 0.00031.
gnomAD v4.1: 145 of 1,613,986 alleles (0.009%); highest among the groups gnomAD compares: South Asian, 0.013%; no homozygotes.

Submissions (3):

Labcorp Genetics (formerly Invitae), Labcorp
Classification: Likely benign for Ichthyosis linearis circumflexa. Last evaluated: 2025-11-23. Review status: criteria provided, single submitter. Criteria: Invitae Variant Classification Sherloc (09022015). Collection method: clinical testing. Allele origin: germline.

Blueprint Genetics
Classification: Likely benign. Last evaluated: 2024-11-25. Review status: criteria provided, single submitter. Criteria: ACMG Guidelines, 2015. Collection method: clinical testing. Allele origin: germline.

Illumina Laboratory Services, Illumina
Classification: Uncertain significance for Netherton syndrome. Last evaluated: 2017-04-27. Review status: criteria provided, single submitter. Criteria: ICSL Variant Classification Criteria 13 December 2019. Collection method: clinical testing. Allele origin: germline.
Comment: This variant was observed as part of a predisposition screen in an ostensibly healthy population. A literature search was performed for the gene, cDNA change, and amino acid change (where applicable). Publications were found based on this search. However, the evidence from the literature, in combination with allele frequency data from public databases where available, was not sufficient to rule this variant in or out of causing disease. Therefore, this variant is classified as a variant of unknown significance.

Literature cited by the submitters: PubMed 16601670 (cited by Illumina Laboratory Services, Illumina).

NM_006846.4(SPINK5):c.1732C>A (p.Arg578=)

Gene: SPINK5 (serine peptidase inhibitor Kazal type 5; plus strand). Cytogenetic location: 5q32.
Variant type: single nucleotide variant.
Coding change: c.1732C>A on transcript NM_006846.4 (MANE Select); coding-DNA position 1732, C replaced by A.
Protein change: p.Arg578=; no amino-acid change (arginine 578 retained).
Molecular consequence: synonymous variant.
Genome position (GRCh38, 1-based): chr5:148,111,807, C>A. VCF-style: chr5-148111807-C-A. GRCh37 (hg19) VCF-style: chr5-147491370-C-A.
Other names: c.1732C>A, p.Arg578= (NM_001127698.2, NM_001127699.2).
Identifiers: ClinVar variation 795219 (VCV000795219.16), dbSNP rs201674667, ClinGen allele CA3495720.